The following is an entry in ClinVar:

NM_005228.5(EGFR):c.3450A>G (p.Thr1150=)

Gene: EGFR (epidermal growth factor receptor; plus strand). Cytogenetic location: 7p11.2.
Variant type: single nucleotide variant.
Coding change: c.3450A>G on transcript NM_005228.5 (MANE Select); coding-DNA position 3450, A replaced by G.
Protein change: p.Thr1150=; no amino-acid change (threonine 1150 retained).
Molecular consequence: synonymous variant.
Genome position (GRCh38, 1-based): chr7:55,205,434, A>G. VCF-style: chr7-55205434-A-G. GRCh37 (hg19) VCF-style: chr7-55273127-A-G.
Other names: c.3315A>G, p.Thr1105= (NM_001346899.2); c.3291A>G, p.Thr1097= (NM_001346900.2); c.2649A>G, p.Thr883= (NM_001346941.2); c.3450A>G (NM_005228.3).
Identifiers: ClinVar variation 1095007 (VCV001095007.16), dbSNP rs377189448, ClinGen allele CA4266404.

ClinVar aggregate classification (germline): Likely benign. Review status: criteria provided, multiple submitters, no conflicts (2 of 4 stars). 4 submissions from 4 submitters: Likely benign (4). Last evaluated 2026-01-18.

Conditions:
EGFR-related lung cancer (EGFR). Identifiers: MedGen CN130014.
Hereditary cancer-predisposing syndrome. Also called: Neoplastic Syndromes, Hereditary; Tumor predisposition; Hereditary neoplastic syndrome; Hereditary Cancer Syndrome. Identifiers: Orphanet 140162, MedGen C0027672, MeSH D009386, MONDO:0015356.

Allele frequency attached by ClinVar (database versions not stated): ExAC 0.00002; gnomAD exomes 0.00004 and 0.00007; ESP Exome Variant Server 0.00008; TOPMed 0.00009; gnomAD 0.00011.
gnomAD v4.1: 119 of 1,614,028 alleles (0.0074%); highest among the groups gnomAD compares: Non-Finnish European, 0.0087%; no homozygotes.

Submissions (4):

Labcorp Genetics (formerly Invitae), Labcorp
Classification: Likely benign for EGFR-related lung cancer. Last evaluated: 2026-01-18. Review status: criteria provided, single submitter. Criteria: Invitae Variant Classification Sherloc (09022015). Collection method: clinical testing. Allele origin: germline.

CeGaT Center for Human Genetics Tuebingen
Classification: Likely benign. Last evaluated: 2025-12-01. Review status: criteria provided, single submitter. Criteria: CeGaT Center For Human Genetics Tuebingen Variant Classification Criteria Version 2. Collection method: clinical testing. Allele origin: germline. Affected: yes. Observed: 1 variant allele.
Comment: EGFR: BP4, BP7

Ambry Genetics
Classification: Likely benign for Hereditary cancer-predisposing syndrome. Last evaluated: 2024-11-21. Review status: criteria provided, single submitter. Criteria: Ambry Variant Classification Scheme 2023. Collection method: clinical testing. Allele origin: germline.

Blueprint Genetics
Classification: Likely benign. Last evaluated: 2024-04-29. Review status: criteria provided, single submitter. Criteria: ACMG Guidelines, 2015. Collection method: clinical testing. Allele origin: germline.